The following is an entry in ClinVar:

NM_006492.3(ALX3):c.959A>G (p.Tyr320Cys)

Gene: ALX3 (ALX homeobox 3; minus strand). Cytogenetic location: 1p13.3.
Variant type: single nucleotide variant.
Coding change: c.959A>G on transcript NM_006492.3 (MANE Select); coding-DNA position 959, A replaced by G.
Protein change: p.Tyr320Cys; replaces tyrosine 320 with cysteine.
Molecular consequence: missense variant.
Genome position (GRCh38, 1-based): chr1:110,060,806, T>C on the plus strand (A>G on the coding strand, the complement: ALX3 is on the minus strand). VCF-style: chr1-110060806-T-C. GRCh37 (hg19) VCF-style: chr1-110603428-T-C.
Other names: short protein forms Y320C.
Identifiers: ClinVar variation 2056739 (VCV002056739.4), dbSNP rs376262878, ClinGen allele CA997464.

ClinVar aggregate classification (germline): Uncertain significance. Review status: criteria provided, multiple submitters, no conflicts (2 of 4 stars). 2 submissions from 2 submitters: Uncertain significance (2). Last evaluated 2025-04-16.

Conditions:
Inborn genetic diseases. Identifiers: MedGen C0950123, MeSH D030342.

Allele frequency attached by ClinVar (database versions not stated): ESP Exome Variant Server 0.00008; 1000 Genomes Project 30x 0.00031; ExAC 0.00006; 1000 Genomes Project 0.00020.
gnomAD v4.1: 121 of 1,613,936 alleles (0.0075%); highest among the groups gnomAD compares: South Asian, 0.022%; no homozygotes.

Submissions (2):

Ambry Genetics
Classification: Uncertain significance for Inborn genetic diseases. Last evaluated: 2025-04-16. Review status: criteria provided, single submitter. Criteria: Ambry Variant Classification Scheme 2023. Collection method: clinical testing. Allele origin: germline.

Labcorp Genetics (formerly Invitae), Labcorp
Classification: Uncertain significance. Last evaluated: 2024-01-24. Review status: criteria provided, single submitter. Criteria: Invitae Variant Classification Sherloc (09022015). Collection method: clinical testing. Allele origin: germline.
Comment: This sequence change replaces tyrosine, which is neutral and polar, with cysteine, which is neutral and slightly polar, at codon 320 of the ALX3 protein (p.Tyr320Cys). This variant is present in population databases (rs376262878, gnomAD 0.02%). This variant has not been reported in the literature in individuals affected with ALX3-related conditions. ClinVar contains an entry for this variant (Variation ID: 2056739). Algorithms developed to predict the effect of missense changes on protein structure and function output the following: SIFT: "Not Available"; PolyPhen-2: "Benign"; Align-GVGD: "Not Available". The cysteine amino acid residue is found in multiple mammalian species, which suggests that this missense change does not adversely affect protein function. Algorithms developed to predict the effect of sequence changes on RNA splicing suggest that this variant may create or strengthen a splice site. In summary, the available evidence is currently insufficient to determine the role of this variant in disease. Therefore, it has been classified as a Variant of Uncertain Significance.